The following is an entry in ClinVar:

NM_013266.4(CTNNA3):c.134_135del (p.Pro44_Ser45insTer)

Gene: CTNNA3 (catenin alpha 3; minus strand). Cytogenetic location: 10q21.3.
Variant type: Deletion.
Coding change: c.134_135del on transcript NM_013266.4 (MANE Select); coding-DNA positions 134 to 135, 2 bases deleted (CC; older notation c.134_135delCC).
Protein change: p.Pro44_Ser45insTer.
Molecular consequence: nonsense.
Genome position (GRCh38, 1-based): chr10:67,607,014-67,607,015, GG deleted on the plus strand (CC on the coding strand, the reverse complement: CTNNA3 is on the minus strand). VCF-style (leftmost placement, unchanged base first): chr10-67607013-TGG-T. GRCh37 (hg19) VCF-style: chr10-69366771-TGG-T.
Other names: c.134_135del, p.Pro44_Ser45insTer (NM_001127384.3); c.170_171del, p.Pro56_Ser57insTer (NM_001291133.2).
Identifiers: ClinVar variation 2768213 (VCV002768213.3), dbSNP rs2492219523, ClinGen allele CA2609354878.

ClinVar aggregate classification (germline): Uncertain significance (1 of 4 stars; one submission).

Conditions:
Arrhythmogenic right ventricular dysplasia 13. Also called: Arrhythmogenic right ventricular dysplasia, familial, 13; ARRHYTHMOGENIC RIGHT VENTRICULAR CARDIOMYOPATHY 13. Identifiers: MedGen C3810138, MONDO:0000908, OMIM 615616.

Allele frequency attached by ClinVar (database versions not stated): gnomAD exomes below 0.00001.

Submission:

Labcorp Genetics (formerly Invitae), Labcorp
Classification: Uncertain significance for Arrhythmogenic right ventricular dysplasia 13. Last evaluated: 2023-10-14. Review status: criteria provided, single submitter. Criteria: Invitae Variant Classification Sherloc (09022015). Collection method: clinical testing. Allele origin: germline.
Comment: This sequence change creates a premature translational stop signal (p.Ser45*) in the CTNNA3 gene. It is expected to result in an absent or disrupted protein product. However, the current clinical and genetic evidence is not sufficient to establish whether loss-of-function variants in CTNNA3 cause disease. This variant is not present in population databases (gnomAD no frequency). This variant has not been reported in the literature in individuals affected with CTNNA3-related conditions. In summary, the available evidence is currently insufficient to determine the role of this variant in disease. Therefore, it has been classified as a Variant of Uncertain Significance.